The following is an entry in ClinVar:

ClinVar aggregate classification (germline): Uncertain significance (1 of 4 stars; one submission).

Conditions:
Inborn genetic diseases. Identifiers: MedGen C0950123, MeSH D030342.

Allele frequency attached by ClinVar (database versions not stated): TOPMed 0.00001.

Submission:

Ambry Genetics
Classification: Uncertain significance for Inborn genetic diseases. Last evaluated: 2025-03-20. Review status: criteria provided, single submitter. Criteria: Ambry Variant Classification Scheme 2023. Collection method: clinical testing. Allele origin: germline.
Comment: The p.E1120V variant (also known as c.3359A>T), located in coding exon 15 of the MECOM gene, results from an A to T substitution at nucleotide position 3359. The glutamic acid at codon 1120 is replaced by valine, an amino acid with dissimilar properties. This amino acid position is conserved. In addition, this alteration is predicted to be tolerated by in silico analysis. Based on the available evidence, the clinical significance of this variant remains unclear.

NM_004991.4(MECOM):c.3359A>T (p.Glu1120Val)

Gene: MECOM (MDS1 and EVI1 complex locus; minus strand). Cytogenetic location: 3q26.2.
Variant type: single nucleotide variant.
Coding change: c.3359A>T on transcript NM_004991.4 (MANE Select); coding-DNA position 3359, A replaced by T.
Protein change: p.Glu1120Val; replaces glutamic acid 1120 with valine.
Molecular consequence: missense variant.
Genome position (GRCh38, 1-based): chr3:169,090,042, T>A on the plus strand (A>T on the coding strand, the complement: MECOM is on the minus strand). VCF-style: chr3-169090042-T-A. GRCh37 (hg19) VCF-style: chr3-168807830-T-A.
Other names: c.2990A>T, p.Glu997Val (NM_001105077.4); c.2795A>T, p.Glu932Val (NM_001105078.4, NM_001205194.2, NM_001366469.2 and 1 more transcripts); c.2771A>T, p.Glu924Val (NM_001163999.2, NM_001366470.2); c.2768A>T, p.Glu923Val (NM_001164000.2, NM_001366471.2, NM_001366472.2); c.3332A>T, p.Glu1111Val (NM_001366466.2); c.2798A>T, p.Glu933Val (NM_001366467.2, NM_001366468.2); c.2360A>T, p.Glu787Val (NM_001366473.2); c.1796A>T, p.Glu599Val (NM_001366474.2); short protein forms E1111V, E924V, E1120V, E923V, E933V, E997V, E599V, E787V.
Identifiers: ClinVar variation 2274888 (VCV002274888.3), dbSNP rs1442631440, ClinGen allele CA355068320.